The following is an entry in ClinVar:

NM_001374736.1(DST):c.2027+5G>A

Gene: DST (dystonin; minus strand). Cytogenetic location: 6p12.1.
Variant type: single nucleotide variant.
Coding change: c.2027+5G>A on transcript NM_001374736.1 (MANE Select); 5 bases into the intron after coding-DNA position 2027, G replaced by A.
Molecular consequence: intron variant.
Genome position (GRCh38, 1-based): chr6:56,641,942, C>T on the plus strand (G>A on the coding strand, the complement: DST is on the minus strand). VCF-style: chr6-56641942-C-T. GRCh37 (hg19) VCF-style: chr6-56506740-C-T.
Other names: c.1928+5G>A (NM_001144769.5); c.2027+5G>A (NM_001374722.1); c.2054+5G>A (NM_001374734.1); c.1514+5G>A (NM_001144770.2); c.1394+5G>A (NM_001374730.1, NM_001386100.1, NM_183380.4 and 1 more transcripts); c.416+5G>A (NM_015548.5, NM_001723.7).
Identifiers: ClinVar variation 2022390 (VCV002022390.4), dbSNP rs1410270295, ClinGen allele CA2580075585.

ClinVar aggregate classification (germline): Uncertain significance (1 of 4 stars; one submission).

Conditions:
Epidermolysis bullosa simplex 3, localized or generalized intermediate, with BP230 deficiency (EBS3). Also called: Epidermolysis bullosa simplex, autosomal recessive 2; Epidermolysis bullosa simplex due to BP230 deficiency. Identifiers: Orphanet 412181, MedGen C3809470, MONDO:0014180, OMIM 615425.
Hereditary sensory and autonomic neuropathy type 6. Also called: Neuropathy, hereditary sensory and autonomic, type VI; HSAN VI. Identifiers: Orphanet 314381, MedGen C3539003, MONDO:0013839, OMIM 614653.

Submission:

Labcorp Genetics (formerly Invitae), Labcorp
Classification: Uncertain significance for Epidermolysis bullosa simplex 3, localized or generalized intermediate, with BP230 deficiency; Hereditary sensory and autonomic neuropathy type 6. Last evaluated: 2022-08-07. Review status: criteria provided, single submitter. Criteria: Invitae Variant Classification Sherloc (09022015). Collection method: clinical testing. Allele origin: germline.
Comment: This sequence change falls in intron 3 of the DST gene. It does not directly change the encoded amino acid sequence of the DST protein. It affects a nucleotide within the consensus splice site. This variant is not present in population databases (gnomAD no frequency). This variant has not been reported in the literature in individuals affected with DST-related conditions. Variants that disrupt the consensus splice site are a relatively common cause of aberrant splicing (PMID: 17576681, 9536098). Algorithms developed to predict the effect of sequence changes on RNA splicing suggest that this variant is not likely to affect RNA splicing. In summary, the available evidence is currently insufficient to determine the role of this variant in disease. Therefore, it has been classified as a Variant of Uncertain Significance.

Literature cited by the submitters: PubMed 17576681; PubMed 9536098.